The following is an entry in ClinVar:

NM_001330078.2(NRXN1):c.315C>T (p.Ala105=)

Gene: NRXN1 (neurexin 1; minus strand). Cytogenetic location: 2p16.3.
Variant type: single nucleotide variant.
Coding change: c.315C>T on transcript NM_001330078.2 (MANE Select); coding-DNA position 315, C replaced by T.
Protein change: p.Ala105=; no amino-acid change (alanine 105 retained).
Molecular consequence: synonymous variant.
Genome position (GRCh38, 1-based): chr2:51,027,959, G>A on the plus strand (C>T on the coding strand, the complement: NRXN1 is on the minus strand). VCF-style: chr2-51027959-G-A. GRCh37 (hg19) VCF-style: chr2-51255097-G-A.
Other names: c.315C>T, p.Ala105= (NM_001135659.3, NM_001330077.2, NM_001330079.2 and 15 more transcripts).
Identifiers: ClinVar variation 336556 (VCV000336556.29), dbSNP rs767271650, ClinGen allele CA1655524.

ClinVar aggregate classification (germline): Conflicting classifications of pathogenicity. Review status: criteria provided, conflicting classifications (1 of 4 stars). 2 submissions from 2 submitters: Uncertain significance (1); Likely benign (1). Last evaluated 2023-06-01.

Conditions:
Pitt-Hopkins-like syndrome 2 (PTHSL2). Identifiers: Orphanet 221150, Orphanet 600663, MedGen C3280479, MONDO:0013690, OMIM 614325.

Allele frequency attached by ClinVar (database versions not stated): TOPMed below 0.00001; gnomAD 0.00001; ExAC 0.00003; gnomAD exomes 0.00003.
gnomAD v4.1: 13 of 1,602,522 alleles (0.00081%); highest among the groups gnomAD compares: South Asian, 0.0066%; no homozygotes.

Submissions (2):

CeGaT Center for Human Genetics Tuebingen
Classification: Likely benign. Last evaluated: 2023-06-01. Review status: criteria provided, single submitter. Criteria: CeGaT Center For Human Genetics Tuebingen Variant Classification Criteria Version 2. Collection method: clinical testing. Allele origin: germline. Affected: yes. Observed: 1 variant allele.
Comment: NRXN1: BP4, BP7

Illumina Laboratory Services, Illumina
Classification: Uncertain significance for Pitt-Hopkins-like syndrome 2. Last evaluated: 2018-01-13. Review status: criteria provided, single submitter. Criteria: ICSL Variant Classification Criteria 13 December 2019. Collection method: clinical testing. Allele origin: germline.